The following is an entry in ClinVar:

ClinVar aggregate classification (germline): Uncertain significance (1 of 4 stars; one submission).

Conditions:
Cone-rod dystrophy 13 (CORD13). Identifiers: Orphanet 1872, MedGen C2750720, MONDO:0011987, OMIM 608194.
Leber congenital amaurosis 6 (LCA6). Identifiers: Orphanet 65, MedGen C1854260, MONDO:0013446, OMIM 613826.

Allele frequency attached by ClinVar (database versions not stated): gnomAD exomes below 0.00001; gnomAD 0.00001; TOPMed 0.00001.
gnomAD v4.1: 4 of 1,613,866 alleles (0.00025%); highest among the groups gnomAD compares: Admixed American, 0.0017%; no homozygotes.

Submission:

Labcorp Genetics (formerly Invitae), Labcorp
Classification: Uncertain significance for Leber congenital amaurosis 6; Cone-rod dystrophy 13. Last evaluated: 2021-05-08. Review status: criteria provided, single submitter. Criteria: Invitae Variant Classification Sherloc (09022015). Collection method: clinical testing. Allele origin: germline.
Comment: This sequence change replaces glutamic acid with lysine at codon 507 of the RPGRIP1 protein (p.Glu507Lys). The glutamic acid residue is moderately conserved and there is a small physicochemical difference between glutamic acid and lysine. This variant is not present in population databases (ExAC no frequency). This variant has not been reported in the literature in individuals with RPGRIP1-related conditions. Algorithms developed to predict the effect of missense changes on protein structure and function are either unavailable or do not agree on the potential impact of this missense change (SIFT: "Tolerated"; PolyPhen-2: "Possibly Damaging"; Align-GVGD: "Class C0"). In summary, the available evidence is currently insufficient to determine the role of this variant in disease. Therefore, it has been classified as a Variant of Uncertain Significance.

NM_020366.4(RPGRIP1):c.1519G>A (p.Glu507Lys)

Gene: RPGRIP1 (RPGR interacting protein 1; plus strand). Cytogenetic location: 14q11.2.
Variant type: single nucleotide variant.
Coding change: c.1519G>A on transcript NM_020366.4 (MANE Select); coding-DNA position 1519, G replaced by A.
Protein change: p.Glu507Lys; replaces glutamic acid 507 with lysine.
Molecular consequence: missense variant. On other transcripts: 5 prime UTR variant (1).
Genome position (GRCh38, 1-based): chr14:21,321,310, G>A. VCF-style: chr14-21321310-G-A. GRCh37 (hg19) VCF-style: chr14-21789469-G-A.
Other names: c.445G>A, p.Glu149Lys (NM_001377523.1, NM_001377948.1, NM_001377949.1 and 1 more transcripts); c.-54G>A (NM_001377951.1); short protein forms E507K, E149K.
Identifiers: ClinVar variation 1488253 (VCV001488253.7), dbSNP rs1882436936, ClinGen allele CA388865258.